The following is an entry in ClinVar:

ClinVar aggregate classification (germline): Uncertain significance (1 of 4 stars; one submission).

Conditions:
Charcot-Marie-Tooth disease type 2B (CMT2B). Also called: CHARCOT-MARIE-TOOTH DISEASE, AUTOSOMAL DOMINANT, TYPE 2B; HEREDITARY MOTOR AND SENSORY NEUROPATHY IIB; CHARCOT-MARIE-TOOTH DISEASE, AXONAL, TYPE 2B; Charcot-Marie-Tooth Neuropathy Type 2B. Identifiers: Orphanet 99936, MedGen C1833219, MONDO:0010949, OMIM 600882.

Submission:

Labcorp Genetics (formerly Invitae), Labcorp
Classification: Uncertain significance for Charcot-Marie-Tooth disease type 2B. Last evaluated: 2023-05-22. Review status: criteria provided, single submitter. Criteria: Invitae Variant Classification Sherloc (09022015). Collection method: clinical testing. Allele origin: germline.
Comment: An algorithm developed to predict the effect of missense changes on protein structure and function (PolyPhen-2) suggests that this variant is likely to be disruptive. In summary, the available evidence is currently insufficient to determine the role of this variant in disease. Therefore, it has been classified as a Variant of Uncertain Significance. Experimental studies have shown that this missense change affects RAB7A function (PMID: 32326241, 33846303, 35887194). ClinVar contains an entry for this variant (Variation ID: 933839). This missense change has been observed in individuals with Charcot-Marie-Tooth disease (PMID: 26392352, 32326241). This variant is not present in population databases (gnomAD no frequency). This sequence change replaces lysine, which is basic and polar, with arginine, which is basic and polar, at codon 126 of the RAB7A protein (p.Lys126Arg).

Literature cited by the submitters: PubMed 32326241; PubMed 33846303; PubMed 35887194; PubMed 26392352.

NM_004637.6(RAB7A):c.377A>G (p.Lys126Arg)

Gene: RAB7A (RAB7A, member RAS oncogene family; plus strand). Cytogenetic location: 3q21.3.
Variant type: single nucleotide variant.
Coding change: c.377A>G on transcript NM_004637.6 (MANE Select); coding-DNA position 377, A replaced by G.
Protein change: p.Lys126Arg; replaces lysine 126 with arginine.
Molecular consequence: missense variant.
Genome position (GRCh38, 1-based): chr3:128,806,568, A>G. VCF-style: chr3-128806568-A-G. GRCh37 (hg19) VCF-style: chr3-128525411-A-G.
Other names: short protein forms K126R.
Identifiers: ClinVar variation 933839 (VCV000933839.9), dbSNP rs1933806941, ClinGen allele CA354709024.